The following is an entry in ClinVar:

ClinVar aggregate classification (germline): Benign/Likely benign. Review status: criteria provided, multiple submitters, no conflicts (2 of 4 stars). 4 submissions from 4 submitters: Benign (1); Likely benign (3). Last evaluated 2026-07-15.

Conditions:
Hereditary cancer-predisposing syndrome. Also called: Hereditary Cancer Syndrome; Tumor predisposition; Hereditary neoplastic syndrome; Neoplastic Syndromes, Hereditary. Identifiers: Orphanet 140162, MedGen C0027672, MeSH D009386, MONDO:0015356.
Rhabdoid tumor predisposition syndrome 2 (RTPS2). Identifiers: Orphanet 231108, Orphanet 69077, MedGen C2750074, MONDO:0013224, OMIM 613325.

Allele frequency attached by ClinVar (database versions not stated): gnomAD exomes 0.00001 and 0.00003; TOPMed 0.00002; ExAC 0.00003; gnomAD 0.00001.
gnomAD v4.1: 13 of 1,613,282 alleles (0.00081%); highest among the groups gnomAD compares: South Asian, 0.0033%; no homozygotes.

Submissions (4):

Myriad Genetics, Inc.
Classification: Benign for Rhabdoid tumor predisposition syndrome 2. Last evaluated: 2026-07-15. Review status: criteria provided, single submitter. Criteria: Myriad Autosomal Dominant, Autosomal Recessive and X-Linked Classification Criteria (2023). Collection method: clinical testing. Allele origin: unknown.
Comment: This variant is considered benign. This variant is a silent/synonymous amino acid change and it is not expected to impact splicing.

Labcorp Genetics (formerly Invitae), Labcorp
Classification: Likely benign for Rhabdoid tumor predisposition syndrome 2. Last evaluated: 2026-01-06. Review status: criteria provided, single submitter. Criteria: Invitae Variant Classification Sherloc (09022015). Collection method: clinical testing. Allele origin: germline.

Sema4
Classification: Likely benign for Hereditary cancer-predisposing syndrome. Last evaluated: 2022-02-19. Review status: criteria provided, single submitter. Criteria: Sema4 Curation Guidelines. Collection method: curation. Allele origin: germline.

Ambry Genetics
Classification: Likely benign for Hereditary cancer-predisposing syndrome. Last evaluated: 2016-03-29. Review status: criteria provided, single submitter. Criteria: Ambry Variant Classification Scheme 2023. Collection method: clinical testing. Allele origin: germline.

NM_003072.5(SMARCA4):c.3693C>T (p.Ala1231=)

Gene: SMARCA4 (SWI/SNF related BAF chromatin remodeling complex subunit ATPase 4; plus strand). Cytogenetic location: 19p13.2.
Variant type: single nucleotide variant.
Coding change: c.3693C>T on transcript NM_003072.5 (MANE Select); coding-DNA position 3693, C replaced by T.
Protein change: p.Ala1231=; no amino-acid change (alanine 1231 retained).
Molecular consequence: synonymous variant. On other transcripts: non-coding transcript variant (1).
Genome position (GRCh38, 1-based): chr19:11,033,436, C>T. VCF-style: chr19-11033436-C-T. GRCh37 (hg19) VCF-style: chr19-11144112-C-T.
Other names: c.3693C>T, p.Ala1231= (NM_001128844.3, NM_001128845.2, NM_001128846.2 and 5 more transcripts).
Identifiers: ClinVar variation 238433 (VCV000238433.18), dbSNP rs763218564, ClinGen allele CA9204485.
Genomic context (GRCh38, chr19:11,033,436, plus strand): 5'-GGAGAAGATCCTAGCTGCAGCCAAGTACAAGCTCAACGTGGACCAGAAGGTGATCCAGGC[C>T]GGCATGTTCGACCAGAAGTCCTCCAGCCATGAGCGGCGCGCCTTCCTGCAGGCCATCCTG-3'
Protein context (NP_003063.2, residues 1221-1241): KLNVDQKVIQ[Ala1231=]GMFDQKSSSH